The following is an entry in ClinVar:

ClinVar aggregate classification (germline): Uncertain significance (1 of 4 stars; one submission).

Conditions:
Anauxetic dysplasia. Identifiers: Orphanet 93347, MedGen C1846796, MONDO:0011773.

gnomAD v4.1: 1 of 700,462 alleles (0.00014%); highest among the groups gnomAD compares: Non-Finnish European, 0.00026%; no homozygotes.

Submission:

Labcorp Genetics (formerly Invitae), Labcorp
Classification: Uncertain significance for Anauxetic dysplasia. Last evaluated: 2022-08-08. Review status: criteria provided, single submitter. Criteria: Invitae Variant Classification Sherloc (09022015). Collection method: clinical testing. Allele origin: germline.
Comment: Experimental studies and prediction algorithms are not available or were not evaluated, and the functional significance of this variant is currently unknown. In summary, the available evidence is currently insufficient to determine the role of this variant in disease. Therefore, it has been classified as a Variant of Uncertain Significance. This variant has not been reported in the literature in individuals affected with RMRP-related conditions. This variant is not present in population databases (gnomAD no frequency). This variant occurs in the RMRP gene, which encodes an RNA molecule that does not result in a protein product.

NC_000009.12:g.35657942G>C

Gene: RMRP (RNA component of mitochondrial RNA processing endoribonuclease; minus strand). Cytogenetic location: 9p13.3.
Variant type: single nucleotide variant.
Genome position: GRCh38 VCF-style: chr9-35657942-G-C. GRCh37 (hg19) VCF-style: chr9-35657939-G-C.
Identifiers: ClinVar variation 2139429 (VCV002139429.2), dbSNP rs889473053, ClinGen allele CA464450852.